The following is an entry in ClinVar:

ClinVar aggregate classification (germline): Likely benign (0 of 4 stars; one submission).

Conditions:
GLIS3-related disorder. Also called: GLIS3-related condition.

gnomAD v4.1: 78 of 1,613,592 alleles (0.0048%); highest among the groups gnomAD compares: Non-Finnish European, 0.0054%; no homozygotes.

Submission:

PreventionGenetics, part of Exact Sciences
Classification: Likely benign for GLIS3-related condition. Last evaluated: 2019-07-22. Review status: no assertion criteria provided. Collection method: clinical testing. Allele origin: germline.
Comment: This variant is classified as likely benign based on ACMG/AMP sequence variant interpretation guidelines (Richards et al. 2015 PMID: 25741868, with internal and published modifications).

NM_001042413.2(GLIS3):c.1011G>C (p.Ser337=)

Gene: GLIS3 (GLIS family zinc finger 3; minus strand). Cytogenetic location: 9p24.2.
Variant type: single nucleotide variant.
Coding change: c.1011G>C on transcript NM_001042413.2 (MANE Select); coding-DNA position 1011, G replaced by C.
Protein change: p.Ser337=; no amino-acid change (serine 337 retained).
Molecular consequence: synonymous variant.
Genome position (GRCh38, 1-based): chr9:4,118,467, C>G on the plus strand (G>C on the coding strand, the complement: GLIS3 is on the minus strand). VCF-style: chr9-4118467-C-G. GRCh37 (hg19) VCF-style: chr9-4118467-C-G.
Other names: c.546G>C, p.Ser182= (NM_152629.4).
Identifiers: ClinVar variation 3050208 (VCV003050208.2), dbSNP rs201573290, ClinGen allele CA4968334.